The following is an entry in ClinVar:

NM_000780.4(CYP7A1):c.692C>A (p.Ala231Glu)

Gene: CYP7A1 (cytochrome P450 family 7 subfamily A member 1; minus strand). Cytogenetic location: 8q12.1.
Variant type: single nucleotide variant.
Coding change: c.692C>A on transcript NM_000780.4 (MANE Select); coding-DNA position 692, C replaced by A.
Protein change: p.Ala231Glu; replaces alanine 231 with glutamic acid.
Molecular consequence: missense variant.
Genome position (GRCh38, 1-based): chr8:58,496,820, G>T on the plus strand (C>A on the coding strand, the complement: CYP7A1 is on the minus strand). VCF-style: chr8-58496820-G-T. GRCh37 (hg19) VCF-style: chr8-59409379-G-T.
Other names: short protein forms A231E.
Identifiers: ClinVar variation 5002318 (VCV005002318.1).
Genomic context (GRCh38, chr8:58,496,820, plus strand): 5'-TCCCTCTTTTGGAGGTTCTCGTGCCTCAAGCTCTCTGCCAGTTTCTCCCGGGCATTGTGC[G>T]CAGTCCTGAACATGTGAATGGGGAGGCCTGCTACCAGGGCTGGAAAGACTTTGTCGAATT-3'
Protein context (NP_000771.2, residues 221-241): AGLPIHMFRT[Ala231Glu]HNAREKLAES

ClinVar aggregate classification (germline): Uncertain significance (1 of 4 stars; one submission).

Conditions:
CYP7A1-related disorder. Also called: CYP7A1-related condition.

Submission:

PreventionGenetics, part of Exact Sciences
Classification: Uncertain significance for CYP7A1-related condition. Last evaluated: 2024-12-18. Review status: criteria provided, single submitter. Criteria: ACMG Guidelines, 2015. Collection method: clinical testing. Allele origin: germline.
Comment: The CYP7A1 c.692C>A variant is predicted to result in the amino acid substitution p.Ala231Glu. To our knowledge, this variant has not been reported in the literature or in a large population database (gnomAD), indicating this variant is rare. At this time, the clinical significance of this variant is uncertain due to the absence of conclusive functional and genetic evidence.